The following is an entry in ClinVar:

NM_001165963.4(SCN1A):c.2871G>C (p.Trp957Cys)

Gene: SCN1A (sodium voltage-gated channel alpha subunit 1; minus strand). Cytogenetic location: 2q24.3.
Variant type: single nucleotide variant.
Coding change: c.2871G>C on transcript NM_001165963.4 (MANE Select); coding-DNA position 2871, G replaced by C.
Protein change: p.Trp957Cys; replaces tryptophan 957 with cysteine.
Molecular consequence: missense variant. On other transcripts: non-coding transcript variant (1).
Genome position (GRCh38, 1-based): chr2:166,037,851, C>G on the plus strand (G>C on the coding strand, the complement: SCN1A is on the minus strand). VCF-style: chr2-166037851-C-G. GRCh37 (hg19) VCF-style: chr2-166894361-C-G.
Other names: c.2787G>C, p.Trp929Cys (NM_001165964.3, NM_001353957.2, NM_001353958.2); c.2871G>C, p.Trp957Cys (NM_001202435.3, NM_001353948.2); c.2838G>C, p.Trp946Cys (NM_001353949.2, NM_001353950.2, NM_001353951.2 and 2 more transcripts); c.2835G>C, p.Trp945Cys (NM_001353954.2, NM_001353955.2); c.2784G>C, p.Trp928Cys (NM_001353960.2); c.429G>C, p.Trp143Cys (NM_001353961.2); short protein forms W143C, W928C, W929C, W945C, W946C, W957C.
Identifiers: ClinVar variation 1061364 (VCV001061364.4), dbSNP rs1553541157, ClinGen allele CA349061067.

ClinVar aggregate classification (germline): Uncertain significance (1 of 4 stars; one submission).

Conditions:
Early-infantile DEE. Also called: Ohtahara syndrome; Early infantile epileptic encephalopathy with suppression bursts; Early infantile epileptic encephalopathy. Identifiers: Orphanet 1934, MedGen C0393706, MONDO:0800491.

Submission:

Labcorp Genetics (formerly Invitae), Labcorp
Classification: Uncertain significance for Early-infantile DEE. Last evaluated: 2014-05-14. Review status: criteria provided, single submitter. Criteria: Invitae Variant Classification Sherloc (09022015). Collection method: clinical testing. Allele origin: germline.
Comment: This is a novel sequence change that has not been reported in clinically affected individuals or in the general population. However, missense changes affecting this same amino acid (Trp957Arg, and Trp957Leu) have been reported in individuals with Dravet syndrome (PMID: 17561957, PMID: 21425109), emphasizing the functional importance of this residue. Algorithms developed to predict the effect of missense changes on protein structure and function (SIFT,AlignGVGD) suggest that this sequence change is likely to be disruptive. It causes a non-conservative change from a non-polar Tryptophan to a polar Cysteine residue. This substitution affects an evolutionarily well-conserved amino acid in the pore loop of the second transmembrane homologous domain, where several pathogenic changes associated with Dravet syndrome and GEFS+ have been reported (Human Gene Mutation Database).

Literature cited by the submitters: PubMed 17561957; PubMed 21425109.